The following is an entry in ClinVar:

ClinVar aggregate classification (germline): Likely benign (0 of 4 stars; one submission).

Conditions:
ADCY3-related disorder. Also called: ADCY3-related condition.

gnomAD v4.1: 1 of 1,613,938 alleles (0.000062%); highest among the groups gnomAD compares: Admixed American, 0.0017%; no homozygotes.

Submission:

PreventionGenetics, part of Exact Sciences
Classification: Likely benign for ADCY3-related condition. Last evaluated: 2023-05-24. Review status: no assertion criteria provided. Collection method: clinical testing. Allele origin: germline.
Comment: This variant is classified as likely benign based on ACMG/AMP sequence variant interpretation guidelines (Richards et al. 2015 PMID: 25741868, with internal and published modifications).

NM_004036.5(ADCY3):c.956+9G>C

Gene: ADCY3 (adenylate cyclase 3; minus strand). Cytogenetic location: 2p23.3.
Variant type: single nucleotide variant.
Coding change: c.956+9G>C on transcript NM_004036.5 (MANE Select); 9 bases into the intron after coding-DNA position 956, G replaced by C.
Molecular consequence: intron variant.
Genome position (GRCh38, 1-based): chr2:24,842,245, C>G on the plus strand (G>C on the coding strand, the complement: ADCY3 is on the minus strand). VCF-style: chr2-24842245-C-G. GRCh37 (hg19) VCF-style: chr2-25065114-C-G.
Other names: c.956+9G>C (NM_001377130.1, NM_001377129.1, NM_001320613.2 and 2 more transcripts); c.233+9G>C (NM_001377131.1).
Identifiers: ClinVar variation 3355921 (VCV003355921.1).